The following is an entry in ClinVar:

ClinVar aggregate classification (germline): Uncertain significance (1 of 4 stars; one submission).

Conditions:
Hereditary cancer-predisposing syndrome. Also called: Neoplastic Syndromes, Hereditary; Tumor predisposition; Hereditary Cancer Syndrome; Hereditary neoplastic syndrome. Identifiers: Orphanet 140162, MedGen C0027672, MeSH D009386, MONDO:0015356.

Allele frequency attached by ClinVar (database versions not stated): gnomAD 0.00001; TOPMed 0.00001.

Submission:

Ambry Genetics
Classification: Uncertain significance for Hereditary cancer-predisposing syndrome. Last evaluated: 2022-05-31. Review status: criteria provided, single submitter. Criteria: Ambry Variant Classification Scheme 2023. Collection method: clinical testing. Allele origin: germline.
Comment: The p.I131S variant (also known as c.392T>G), located in coding exon 1 of the GREM1 gene, results from a T to G substitution at nucleotide position 392. The isoleucine at codon 131 is replaced by serine, an amino acid with dissimilar properties. This amino acid position is conserved. In addition, this alteration is predicted to be tolerated by in silico analysis. Since supporting evidence is limited at this time, the clinical significance of this alteration remains unclear.

NM_013372.7(GREM1):c.392T>G (p.Ile131Ser)

Gene: GREM1 (gremlin 1, DAN family BMP antagonist; plus strand). Cytogenetic location: 15q13.3.
Variant type: single nucleotide variant.
Coding change: c.392T>G on transcript NM_013372.7 (MANE Select); coding-DNA position 392, T replaced by G.
Protein change: p.Ile131Ser; replaces isoleucine 131 with serine.
Molecular consequence: missense variant.
Genome position (GRCh38, 1-based): chr15:32,731,082, T>G. VCF-style: chr15-32731082-T-G. GRCh37 (hg19) VCF-style: chr15-33023283-T-G.
Other names: c.182T>G, p.Ile61Ser (NM_001191322.2); c.269T>G, p.Ile90Ser (NM_001191323.2); c.392T>G, p.Ile131Ser (NM_001368719.1); short protein forms I61S, I90S, I131S.
Identifiers: ClinVar variation 1736262 (VCV001736262.2), dbSNP rs1233026052, ClinGen allele CA391557846.